The following is an entry in ClinVar:

ClinVar aggregate classification (germline): Pathogenic. Review status: criteria provided, single submitter (1 of 4 stars). 2 submissions from 2 submitters: Pathogenic (1). 1 of the submissions does not count toward it. Last evaluated 2022-11-09.

Conditions:
Familial thoracic aortic aneurysm and aortic dissection (TAAD). Also called: Thoracic aortic aneurysms and dissections. Identifiers: Orphanet 91387, MedGen C4707243, MONDO:0019625.
Marfan syndrome (MFS). Also called: Marfan syndrome type 1; Marfan syndrome, classic; Marfan's syndrome; FBN1-Related Marfan Syndrome; MARFAN SYNDROME, TYPE I. Identifiers: Orphanet 284963, Orphanet 558, MedGen C0024796, MONDO:0007947, OMIM 154700.

Submissions (2):

Labcorp Genetics (formerly Invitae), Labcorp
Classification: Pathogenic for Marfan syndrome; Familial thoracic aortic aneurysm and aortic dissection. Last evaluated: 2022-11-09. Review status: criteria provided, single submitter. Criteria: Invitae Variant Classification Sherloc (09022015). Collection method: clinical testing. Allele origin: germline.
Comment: This sequence change affects a donor splice site in intron 53 of the FBN1 gene. It is expected to disrupt RNA splicing. Variants that disrupt the donor or acceptor splice site typically lead to a loss of protein function (PMID: 16199547), and loss-of-function variants in FBN1 are known to be pathogenic (PMID: 17657824, 19293843). This variant is not present in population databases (gnomAD no frequency). Disruption of this splice site has been observed in individual(s) with clinical features of FBN1-related conditions (PMID: 25644172; Invitae). ClinVar contains an entry for this variant (Variation ID: 549346). Algorithms developed to predict the effect of sequence changes on RNA splicing suggest that this variant may disrupt the consensus splice site. For these reasons, this variant has been classified as Pathogenic.

Center for Medical Genetics Ghent, University of Ghent
Classification: Likely pathogenic for Marfan syndrome. Last evaluated: 2017-11-07. Review status: no assertion criteria provided. Collection method: clinical testing. Allele origin: germline. Affected: yes. Not counted in ClinVar's aggregate classification.

Literature cited by the submitters: PubMed 16199547 (cited by Labcorp Genetics (formerly Invitae), Labcorp); PubMed 17657824 (cited by Labcorp Genetics (formerly Invitae), Labcorp); PubMed 19293843 (cited by Labcorp Genetics (formerly Invitae), Labcorp); PubMed 25644172 (cited by Labcorp Genetics (formerly Invitae), Labcorp).

NM_000138.5(FBN1):c.6496+1G>A

Gene: FBN1 (fibrillin 1; minus strand). Cytogenetic location: 15q21.1.
Variant type: single nucleotide variant.
Coding change: c.6496+1G>A on transcript NM_000138.5 (MANE Select); the canonical splice donor site of the intron after coding-DNA position 6496, G replaced by A.
Molecular consequence: splice donor variant.
Genome position (GRCh38, 1-based): chr15:48,436,960, C>T on the plus strand (G>A on the coding strand, the complement: FBN1 is on the minus strand). VCF-style: chr15-48436960-C-T. GRCh37 (hg19) VCF-style: chr15-48729157-C-T.
Other names: c.6496+1G>A (NM_001406716.1).
Identifiers: ClinVar variation 549346 (VCV000549346.6), dbSNP rs1555395188, ClinGen allele CA392336232.